The following is an entry in ClinVar:

ClinVar aggregate classification (germline): Uncertain significance. Review status: criteria provided, multiple submitters, no conflicts (2 of 4 stars). 4 submissions from 4 submitters: Uncertain significance (4). Last evaluated 2025-04-07.

Conditions:
Cardiovascular phenotype. Identifiers: MedGen CN230736.
Dilated cardiomyopathy 1HH (CMD1HH). Identifiers: Orphanet 154, MedGen C3151293, MONDO:0013479, OMIM 613881.
Myofibrillar myopathy 6. Identifiers: Orphanet 199340, MedGen C2751831, MONDO:0013061, OMIM 612954.

Allele frequency attached by ClinVar (database versions not stated): gnomAD 0.00001; TOPMed 0.00001; ESP Exome Variant Server 0.00008.
gnomAD v4.1: 3 of 1,614,002 alleles (0.00019%); highest among the groups gnomAD compares: Non-Finnish European, 0.00025%; no homozygotes.

Submissions (4):

Women's Health and Genetics/Laboratory Corporation of America, LabCorp
Classification: Uncertain significance. Last evaluated: 2025-04-07. Review status: criteria provided, single submitter. Criteria: LabCorp Variant Classification Summary - May 2015. Collection method: clinical testing. Allele origin: germline.

Ambry Genetics
Classification: Uncertain significance for Cardiovascular phenotype. Last evaluated: 2025-03-09. Review status: criteria provided, single submitter. Criteria: Ambry Variant Classification Scheme 2023. Collection method: clinical testing. Allele origin: germline.
Comment: The p.A529G variant (also known as c.1586C>G), located in coding exon 4 of the BAG3 gene, results from a C to G substitution at nucleotide position 1586. The alanine at codon 529 is replaced by glycine, an amino acid with similar properties. This amino acid position is conserved. In addition, this alteration is predicted to be tolerated by in silico analysis. Based on the available evidence, the clinical significance of this variant remains unclear.

Labcorp Genetics (formerly Invitae), Labcorp
Classification: Uncertain significance for Dilated cardiomyopathy 1HH; Myofibrillar myopathy 6. Last evaluated: 2024-11-18. Review status: criteria provided, single submitter. Criteria: Invitae Variant Classification Sherloc (09022015). Collection method: clinical testing. Allele origin: germline.
Comment: This sequence change replaces alanine, which is neutral and non-polar, with glycine, which is neutral and non-polar, at codon 529 of the BAG3 protein (p.Ala529Gly). This variant is present in population databases (rs369690617, gnomAD 0.002%). This variant has not been reported in the literature in individuals affected with BAG3-related conditions. ClinVar contains an entry for this variant (Variation ID: 220969). Invitae Evidence Modeling of protein sequence and biophysical properties (such as structural, functional, and spatial information, amino acid conservation, physicochemical variation, residue mobility, and thermodynamic stability) indicates that this missense variant is not expected to disrupt BAG3 protein function with a negative predictive value of 80%. In summary, the available evidence is currently insufficient to determine the role of this variant in disease. Therefore, it has been classified as a Variant of Uncertain Significance.

Fulgent Genetics
Classification: Uncertain significance for Myofibrillar myopathy 6; Dilated cardiomyopathy 1HH. Last evaluated: 2021-07-27. Review status: criteria provided, single submitter. Criteria: ACMG Guidelines, 2015. Collection method: clinical testing. Allele origin: unknown.

NM_004281.4(BAG3):c.1586C>G (p.Ala529Gly)

Gene: BAG3 (BAG cochaperone 3; plus strand). Cytogenetic location: 10q26.11.
Variant type: single nucleotide variant.
Coding change: c.1586C>G on transcript NM_004281.4 (MANE Select); coding-DNA position 1586, C replaced by G.
Protein change: p.Ala529Gly; replaces alanine 529 with glycine.
Molecular consequence: missense variant.
Genome position (GRCh38, 1-based): chr10:119,677,140, C>G. VCF-style: chr10-119677140-C-G. GRCh37 (hg19) VCF-style: chr10-121436652-C-G.
Other names: short protein forms A529G.
Identifiers: ClinVar variation 220969 (VCV000220969.11), dbSNP rs369690617, ClinGen allele CA348092.